The following is an entry in ClinVar:

NM_001376.5(DYNC1H1):c.7037A>G (p.Gln2346Arg)

Gene: DYNC1H1 (dynein cytoplasmic 1 heavy chain 1; plus strand). Cytogenetic location: 14q32.31.
Variant type: single nucleotide variant.
Coding change: c.7037A>G on transcript NM_001376.5 (MANE Select); coding-DNA position 7037, A replaced by G.
Protein change: p.Gln2346Arg; replaces glutamine 2346 with arginine.
Molecular consequence: missense variant.
Genome position (GRCh38, 1-based): chr14:102,015,127, A>G. VCF-style: chr14-102015127-A-G. GRCh37 (hg19) VCF-style: chr14-102481464-A-G.
Other names: short protein forms Q2346R.
Identifiers: ClinVar variation 1305801 (VCV001305801.2), dbSNP rs2152581482, ClinGen allele CA391059678.

ClinVar aggregate classification (germline): Uncertain significance (1 of 4 stars; one submission).

Submission:

GeneDx
Classification: Uncertain significance. Last evaluated: 2019-05-31. Review status: criteria provided, single submitter. Criteria: GeneDx Variant Classification Process June 2021. Collection method: clinical testing. Allele origin: germline. Affected: yes.
Comment: Not observed in large population cohorts (Lek et al., 2016); In silico analysis, which includes protein predictors and evolutionary conservation, supports a deleterious effect; Has not been previously published as pathogenic or benign to our knowledge